The following is an entry in ClinVar:

ClinVar aggregate classification (germline): Uncertain significance. Review status: criteria provided, multiple submitters, no conflicts (2 of 4 stars). 2 submissions from 2 submitters: Uncertain significance (2). Last evaluated 2025-02-04.

Conditions:
Primary ciliary dyskinesia. Also called: Ciliary dyskinesia. Identifiers: Orphanet 244, MedGen C0008780, MONDO:0016575, HP:0012265.

Allele frequency attached by ClinVar (database versions not stated): TOPMed 0.00001.
gnomAD v4.1: 79 of 1,348,654 alleles (0.0059%); highest among the groups gnomAD compares: Non-Finnish European, 0.0075%; no homozygotes.

Submissions (2):

Ambry Genetics
Classification: Uncertain significance for Primary ciliary dyskinesia. Last evaluated: 2025-02-04. Review status: criteria provided, single submitter. Criteria: Ambry Variant Classification Scheme 2023. Collection method: clinical testing. Allele origin: germline.
Comment: The p.L176F variant (also known as c.526C>T), located in coding exon 1 of the DNAAF5 gene, results from a C to T substitution at nucleotide position 526. The leucine at codon 176 is replaced by phenylalanine, an amino acid with highly similar properties. This amino acid position is conserved. In addition, this alteration is predicted to be tolerated by in silico analysis. Based on the available evidence, the clinical significance of this variant remains unclear.

Labcorp Genetics (formerly Invitae), Labcorp
Classification: Uncertain significance for Primary ciliary dyskinesia. Last evaluated: 2022-10-25. Review status: criteria provided, single submitter. Criteria: Invitae Variant Classification Sherloc (09022015). Collection method: clinical testing. Allele origin: germline.
Comment: In summary, the available evidence is currently insufficient to determine the role of this variant in disease. Therefore, it has been classified as a Variant of Uncertain Significance. Advanced modeling of protein sequence and biophysical properties (such as structural, functional, and spatial information, amino acid conservation, physicochemical variation, residue mobility, and thermodynamic stability) performed at Invitae indicates that this missense variant is expected to disrupt DNAAF5 protein function. This variant has not been reported in the literature in individuals affected with DNAAF5-related conditions. This variant is not present in population databases (gnomAD no frequency). This sequence change replaces leucine, which is neutral and non-polar, with phenylalanine, which is neutral and non-polar, at codon 176 of the DNAAF5 protein (p.Leu176Phe).

NM_017802.4(DNAAF5):c.526C>T (p.Leu176Phe)

Genes: DNAAF5 (dynein axonemal assembly factor 5; plus strand), PRKAR1B (protein kinase cAMP-dependent type I regulatory subunit beta; minus strand), LOC129997731 (ATAC-STARR-seq lymphoblastoid silent region 17817; plus strand). Cytogenetic location: 7p22.3.
Variant type: single nucleotide variant.
Coding change: c.526C>T on transcript NM_017802.4 (MANE Select); coding-DNA position 526, C replaced by T.
Protein change: p.Leu176Phe; replaces leucine 176 with phenylalanine.
Molecular consequence: missense variant. On other transcripts: non-coding transcript variant (1), 5 prime UTR variant (1), intron variant (2).
Genome position (GRCh38, 1-based): chr7:727,246, C>T. VCF-style: chr7-727246-C-T. GRCh37 (hg19) VCF-style: chr7-766883-C-T.
Other names: c.-59G>A (NM_001164760.2); c.-23+409G>A (NM_001164759.1); c.-23+344G>A (NM_001164758.2); c.526C>T (NM_017802.3); short protein forms L176F.
Identifiers: ClinVar variation 2008045 (VCV002008045.3), dbSNP rs1376001457, ClinGen allele CA366530938.
Genomic context (GRCh38, chr7:727,246, plus strand): 5'-TGCGGCGCCGCGCTCGCGCCCCACCTGGACGACGCTCTGCGCGCGCTGCGCTGCTCCCTG[C>T]TCGACCCCTTCGCCGCCGTGCGCCGCGAGAGCTGCAGCTGCGCCGCCGCCCTGGCGCAGG-3'
Protein context (NP_060272.3, residues 166-186): DALRALRCSL[Leu176Phe]DPFAAVRRES